The following is an entry in ClinVar:

ClinVar aggregate classification (germline): Uncertain significance. Review status: criteria provided, multiple submitters, no conflicts (2 of 4 stars). 2 submissions from 2 submitters: Uncertain significance (2). Last evaluated 2023-12-18.

Conditions:
Cardiomyopathy (CMYO). Also called: Cardiomyopathies. Identifiers: Orphanet 167848, MedGen C0878544, MONDO:0004994, HP:0001638. Inheritance: Various modes of inheritance.
Arrhythmogenic cardiomyopathy with wooly hair and keratoderma. Also called: Carvajal syndrome; PALMOPLANTAR KERATODERMA WITH LEFT VENTRICULAR CARDIOMYOPATHY AND WOOLLY HAIR; Dilated cardiomyopathy with woolly hair and keratoderma; Arrhythmogenic cardiomyopathy with woolly hair and keratoderma. Identifiers: Orphanet 65282, MedGen C1854063, MONDO:0011581, OMIM 605676.

Submissions (2):

All of Us Research Program, National Institutes of Health
Classification: Uncertain significance for Arrhythmogenic cardiomyopathy with wooly hair and keratoderma. Last evaluated: 2023-12-18. Review status: criteria provided, single submitter. Criteria: ACMG Guidelines, 2015. Collection method: clinical testing. Allele origin: germline. Inheritance: Autosomal dominant inheritance. Observed: 3 variant alleles, 3 heterozygotes.
Comment: This missense variant replaces leucine with valine at codon 953 of the DSP protein. Computational prediction suggests that this variant may not impact protein structure and function (internally defined REVEL score threshold <= 0.5, PMID: 27666373). To our knowledge, functional studies have not been reported for this variant. This variant has not been reported in individuals affected with DSP-related disorders in the literature. This variant has not been identified in the general population by the Genome Aggregation Database (gnomAD). The available evidence is insufficient to determine the role of this variant in disease conclusively. Therefore, this variant is classified as a Variant of Uncertain Significance.

This study involves interpretation of variants in research participants for the purpose of population health screening. Participant phenotype was not available at the time of variant classification. Additional details can be found in publication PMID: 35346344, PMCID: PMC8962531

Color Diagnostics, LLC DBA Color Health
Classification: Uncertain significance for Cardiomyopathy. Last evaluated: 2023-11-07. Review status: criteria provided, single submitter. Criteria: ACMG Guidelines, 2015. Collection method: clinical testing. Allele origin: germline.
Comment: This missense variant replaces leucine with valine at codon 953 of the DSP protein. Computational prediction suggests that this variant may not impact protein structure and function. To our knowledge, functional studies have not been reported for this variant. This variant has not been reported in individuals affected with DSP-related disorders in the literature. This variant has not been identified in the general population by the Genome Aggregation Database (gnomAD). The available evidence is insufficient to determine the role of this variant in disease conclusively. Therefore, this variant is classified as a Variant of Uncertain Significance.

NM_004415.4(DSP):c.2857C>G (p.Leu953Val)

Gene: DSP (desmoplakin; plus strand). Cytogenetic location: 6p24.3.
Variant type: single nucleotide variant.
Coding change: c.2857C>G on transcript NM_004415.4 (MANE Select); coding-DNA position 2857, C replaced by G.
Protein change: p.Leu953Val; replaces leucine 953 with valine.
Molecular consequence: missense variant.
Genome position (GRCh38, 1-based): chr6:7,577,022, C>G. VCF-style: chr6-7577022-C-G. GRCh37 (hg19) VCF-style: chr6-7577255-C-G.
Other names: c.2857C>G, p.Leu953Val (NM_001008844.3, NM_001319034.2); short protein forms L953V.
Identifiers: ClinVar variation 3069720 (VCV003069720.2), dbSNP rs1201005019, ClinGen allele CA362682295.